The following is an entry in ClinVar:

NM_153704.6(TMEM67):c.722C>T (p.Ala241Val)

Gene: TMEM67 (transmembrane protein 67; plus strand). Cytogenetic location: 8q22.1.
Variant type: single nucleotide variant.
Coding change: c.722C>T on transcript NM_153704.6 (MANE Select); coding-DNA position 722, C replaced by T.
Protein change: p.Ala241Val; replaces alanine 241 with valine.
Molecular consequence: missense variant. On other transcripts: non-coding transcript variant (1).
Genome position (GRCh38, 1-based): chr8:93,780,600, C>T. VCF-style: chr8-93780600-C-T. GRCh37 (hg19) VCF-style: chr8-94792828-C-T.
Other names: c.479C>T, p.Ala160Val (NM_001142301.1); short protein forms A241V, A160V.
Identifiers: ClinVar variation 1420116 (VCV001420116.8), dbSNP rs115766095, ClinGen allele CA371687710.
Genomic context (GRCh38, chr8:93,780,600, plus strand): 5'-TGCATAGACTGTTCAGGTTCATGTTACTTTTCTTTGCCATTGTTCTGTTGTAGGTATATG[C>T]CAATCTAACATCTTGTCAAGCTCTTGGAAATATGTGTGTGATGAACATGAATTCTTACGA-3'
Protein context (NP_714915.3, residues 231-251): QSSAAACWVY[Ala241Val]NLTSCQALGN

ClinVar aggregate classification (germline): Uncertain significance (1 of 4 stars; one submission).

Conditions:
Joubert syndrome. Also called: CEREBELLOPARENCHYMAL DISORDER IV; JOUBERT-BOLTSHAUSER SYNDROME; Familial aplasia of the vermis. Identifiers: Orphanet 475, MedGen C5979921, MONDO:0018772.
Meckel-Gruber syndrome. Also called: DYSENCEPHALIA SPLANCHNOCYSTICA; GRUBER SYNDROME; Dysencephalia splachnocystica. Identifiers: Orphanet 564, MedGen C0265215, MONDO:0018921.

Submission:

Labcorp Genetics (formerly Invitae), Labcorp
Classification: Uncertain significance for Joubert syndrome; Meckel-Gruber syndrome. Last evaluated: 2022-10-13. Review status: criteria provided, single submitter. Criteria: Invitae Variant Classification Sherloc (09022015). Collection method: clinical testing. Allele origin: germline.
Comment: This variant has not been reported in the literature in individuals affected with TMEM67-related conditions. In summary, the available evidence is currently insufficient to determine the role of this variant in disease. Therefore, it has been classified as a Variant of Uncertain Significance. Advanced modeling of protein sequence and biophysical properties (such as structural, functional, and spatial information, amino acid conservation, physicochemical variation, residue mobility, and thermodynamic stability) performed at Invitae indicates that this missense variant is expected to disrupt TMEM67 protein function. ClinVar contains an entry for this variant (Variation ID: 1420116). This variant is not present in population databases (gnomAD no frequency). This sequence change replaces alanine, which is neutral and non-polar, with valine, which is neutral and non-polar, at codon 241 of the TMEM67 protein (p.Ala241Val).